The following is an entry in ClinVar:

ClinVar aggregate classification (germline): Pathogenic/Likely pathogenic. Review status: criteria provided, multiple submitters, no conflicts (2 of 4 stars). 17 submissions from 17 submitters: Pathogenic (12); Likely pathogenic (1). 4 of the submissions do not count toward it. Last evaluated 2026-01-24.

Conditions:
IDUA-related disorders.
Hurler syndrome. Also called: Gargoylism, Hurler Syndrome; MUCOPOLYSACCHARIDOSIS TYPE IH; Severe MPS I (Hurler Syndrome). Identifiers: Orphanet 93473, MedGen C0086795, MONDO:0011758, OMIM 607014.
Mucopolysaccharidosis, MPS-I-H/S. Also called: Mucopolysaccharidosis type IH/S. Identifiers: Orphanet 93476, MedGen C0086431, MONDO:0011759, OMIM 607015.
Mucopolysaccharidosis, MPS-I-S. Also called: Scheie Syndrome; MUCOPOLYSACCHARIDOSIS TYPE IS; MPS V; MUCOPOLYSACCHARIDOSIS TYPE V. Identifiers: Orphanet 93474, MedGen C0026708, MONDO:0011760, OMIM 607016.
Mucopolysaccharidosis type 1. Also called: Mucopolysaccharidosis Type I; IDUA deficiency; MPS I. Identifiers: Orphanet 579, MedGen C0023786, MONDO:0001586.

Allele frequency attached by ClinVar (database versions not stated): gnomAD exomes 0.00015 and 0.00007; TOPMed 0.00005; ExAC 0.00008; gnomAD 0.00008 and 0.00007; ESP Exome Variant Server 0.00008.
gnomAD v4.1: 220 of 1,610,950 alleles (0.014%); highest among the groups gnomAD compares: Non-Finnish European, 0.018%; no homozygotes.

Submissions (17):

Labcorp Genetics (formerly Invitae), Labcorp
Classification: Pathogenic for Mucopolysaccharidosis type 1. Last evaluated: 2026-01-24. Review status: criteria provided, single submitter. Criteria: Invitae Variant Classification Sherloc (09022015). Collection method: clinical testing. Allele origin: germline.
Comment: This sequence change replaces alanine, which is neutral and non-polar, with proline, which is neutral and non-polar, at codon 327 of the IDUA protein (p.Ala327Pro). This variant is present in population databases (rs199801029, gnomAD 0.01%). This missense change has been observed in individual(s) with mucopolysaccharidosis type I (PMID: 7550242, 15300847, 19396826, 23786846, 24368159). In at least one individual the data is consistent with being in trans (on the opposite chromosome) from a pathogenic variant. This variant is also known as c.1067G>C. ClinVar contains an entry for this variant (Variation ID: 167190). Invitae Evidence Modeling of protein sequence and biophysical properties (such as structural, functional, and spatial information, amino acid conservation, physicochemical variation, residue mobility, and thermodynamic stability) has been performed for this missense variant. However, the output from this modeling did not meet the statistical confidence thresholds required to predict the impact of this variant on IDUA protein function. Experimental studies have shown that this missense change affects IDUA function (PMID: 15300847, 23786846). For these reasons, this variant has been classified as Pathogenic.

Natera, Inc.
Classification: Pathogenic for Mucopolysaccharidosis type I. Last evaluated: 2025-10-09. Review status: criteria provided, single submitter. Criteria: Natera Variant Classification Schema (03/2026). Collection method: clinical testing. Allele origin: germline.
Comment: The c.979G>C variant in IDUA is a missense variant predicted to cause substitution of alanine to proline at amino acid 327. This variant is rare in the general population with a frequency below the threshold expected for the associated phenotype(s). This variant has been observed in one or more individuals affected with the associated recessive disease, as either homozygous or compound heterozygous with a second variant (PMID: 28752568). Given the available evidence, this variant is classified as Pathogenic.

Fulgent Genetics
Classification: Pathogenic for Hurler syndrome; Mucopolysaccharidosis, MPS-I-H/S; Mucopolysaccharidosis, MPS-I-S. Last evaluated: 2024-05-24. Review status: criteria provided, single submitter. Criteria: ACMG Guidelines, 2015. Collection method: clinical testing. Allele origin: germline.

CeGaT Center for Human Genetics Tuebingen
Classification: Pathogenic. Last evaluated: 2024-04-01. Review status: criteria provided, single submitter. Criteria: CeGaT Center For Human Genetics Tuebingen Variant Classification Criteria Version 2. Collection method: clinical testing. Allele origin: germline. Affected: yes. Observed: 1 variant allele.
Comment: IDUA: PM3:Very Strong, PM2, PS3:Supporting

Revvity Omics, Revvity
Classification: Pathogenic. Last evaluated: 2023-06-06. Review status: criteria provided, single submitter. Criteria: ACMG Guidelines, 2015. Collection method: clinical testing. Allele origin: germline.

Blueprint Genetics
Classification: Pathogenic for IDUA-related disorders. Last evaluated: 2023-01-17. Review status: criteria provided, single submitter. Criteria: ACMG Guidelines, 2015. Collection method: clinical testing. Allele origin: germline. Affected: yes. Observed: 4 variant alleles.

Johns Hopkins Genomics, Johns Hopkins University
Classification: Pathogenic for Hurler syndrome. Last evaluated: 2020-04-29. Review status: criteria provided, single submitter. Criteria: ACMG Guidelines, 2015. Collection method: clinical testing. Allele origin: germline.
Comment: This IDUA variant has been previously reported in patients with mucopolysaccharidosis I in the presence of a second known disease-causing variant. Although the alanine residue at this position is not evolutionarily conserved across species assessed, funcational analysis in patient cells support that c.979G>C results in reduced IDUA ensymatic activity. This variant (rs199801029) is rare (<0.1%) in a large population dataset (gnomAD: 19/273938 total alleles; 0.006936%; no homozygotes). Six submitters in ClinVar6 classify this variant as either pathogenic or likely pathogenic. We consider it to be pathogenic.

GeneDx
Classification: Pathogenic. Last evaluated: 2020-02-07. Review status: criteria provided, single submitter. Criteria: GeneDx Variant Classification Process June 2021. Collection method: clinical testing. Allele origin: germline. Affected: yes.
Comment: Not observed at a significant frequency in large population cohorts (Lek et al., 2016); This variant is associated with the following publications: (PMID: 31589614, 30809705, 27896125, 8680403, 21394825, 27392569, 27511503, 28684085, 28752568, 10607946, 23786846, 9427149, 7550242, 24368159, 7951228, 15300847)

Broad Center for Mendelian Genomics, Broad Institute of MIT and Harvard
Classification: Pathogenic for Mucopolysaccharidosis type 1. Last evaluated: 2020-01-13. Review status: criteria provided, single submitter. Criteria: ACMG Guidelines, 2015. Collection method: curation. Allele origin: germline. Inheritance: Autosomal recessive inheritance.
Comment: The p.Ala327Pro variant in IDUA has been reported in at least 23 individuals with mucopolysaccharidosis (MPS) (PMID: 28752568, 23786846, 7550242, 19396826, 24368159) and has been identified in 0.012% (15/123926) of European (non-Finnish) chromosomes, 0.006% (2/34992) of Latino chromosomes, and 0.004% (1/24138) of African chromosomes by the Genome Aggregation Database (gnomAD; dbSNP rs199801029). Although this variant has been seen in the general population, its frequency is low enough to be consistent with a recessive carrier frequency. This variant has also been reported in ClinVar (VariationID: 167190) as pathogenic by Counsyl, EGL Genetic Diagnostics, Integrated Genetics, Invitae, and GeneReviews. Computational prediction tools and conservation analyses do not provide strong support for or against an impact to the protein. The phenotype of individuals homozygous and compound heterozygous for this variant is highly specific for MPS based on their Alpha-L-iduronidase levels being <1% of normal consistent with disease (PMID: 23786846). The presence of this variant in 3 affected homozygotes and in combination with a reported pathogenic variant in at least 14 individuals with MPS increases the likelihood that the p.Ala327Pro variant is pathogenic (VariationID: 11908; PMID: 28752568, 23786846, 7550242, 19396826). In summary, this variant meets criteria to be classified as pathogenic for MPS in an autosomal recessive manner based on multiple occurrences in combination with other pathogenic variants in individuals with MPS and the phenotype of patients with the variant being highly specific for disease. ACMG/AMP Criteria applied: PM3_very-strong, PM2_supporting, PP4 (Richards 2015).

Laboratory of Diagnosis and Therapy of Lysosomal Disorders, University of Padova
Classification: Likely pathogenic for Mucopolysaccharidosis type I. Last evaluated: 2019-01-01. Review status: criteria provided, single submitter. Criteria: ACMG Guidelines, 2015. Collection method: literature only. Allele origin: germline. Affected: yes.
Comment: PS3: Low in vivo enzymatic activity in homozygote. PM2: Very low frequency in GnomAD

Women's Health and Genetics/Laboratory Corporation of America, LabCorp
Classification: Pathogenic for Mucopolysaccharidosis type 1. Last evaluated: 2017-08-02. Review status: criteria provided, single submitter. Criteria: LabCorp Variant Classification Summary - May 2015. Collection method: clinical testing. Allele origin: germline.
Comment: Variant summary: The IDUA c.979G>C (p.Ala327Pro) variant involves the alteration of a non-conserved nucleotide located in the Glycoside hydrolase superfamily domain (IPR017853) (InterPro). 2/3 in silico tools predict a benign outcome for this variant (SNPsandGO and MutationTaster not captured due to low reliability index and p-value, respectively). Functional studies found very low enzymatic residual activity in homozygote and compound heterozygote MPS I patients (Oussorena__2013, Yogalingam_2004). The variant of interest has been found in a large, broad control population, ExAC in 7/90286 control chromosomes at a frequency of 0.0000775, which does not exceed the estimated maximal expected allele frequency of a pathogenic IDUA variant (0.0026926). This variant was found in multiple patients with MPS I, including homozygotes and compound heterozygotes (in trans with pathogenic variants such as c.878-889dup12, c.1205G>A/p.W402X, c.1154C>G/p.P385R, and c.1148G>A/R383H), and determined to be associated with a severe phenotype. In addition, multiple clinical diagnostic laboratories/reputable databases classified this variant as pathogenic. Taken together, this variant is classified as pathogenic.

Eurofins Ntd Llc (ga)
Classification: Pathogenic. Last evaluated: 2014-01-21. Review status: criteria provided, single submitter. Criteria: EGL Classification Definitions. Collection method: clinical testing. Allele origin: germline. Observed: 12 variant alleles, 11 heterozygotes, 1 homozygote.

UNC Molecular Genetics  Laboratory, University of North Carolina at Chapel Hill
Classification: Pathogenic for Mucopolysaccharidosis type 1. Review status: criteria provided, single submitter. Criteria: ACMG Guidelines, 2015. Collection method: research. Allele origin: germline. Affected: no. Observed: 1 variant allele. Study: NSIGHT-NC NEXUS.
Comment: The IDUA c.979G>C (p.A327P) variant was reported in the compound heterozygous state in at least 4 patients with MPS I (PMID: 7550242; 112203999; 15300847; 19396826; 24368159).

carrier finding

Counsyl
Classification: Pathogenic for Hurler syndrome. Last evaluated: 2017-05-22. Review status: no assertion criteria provided. Collection method: clinical testing. Allele origin: unknown. Not counted in ClinVar's aggregate classification.

Clinical Genetics DNA and cytogenetics Diagnostics Lab, Erasmus MC, Erasmus Medical Center
Classification: Pathogenic. Review status: no assertion criteria provided. Collection method: clinical testing. Allele origin: germline. Affected: yes. Study: VKGL Data-share Consensus. Not counted in ClinVar's aggregate classification.

Diagnostic Laboratory, Department of Genetics, University Medical Center Groningen
Classification: Pathogenic. Review status: no assertion criteria provided. Collection method: clinical testing. Allele origin: germline. Affected: yes. Study: VKGL Data-share Consensus. Not counted in ClinVar's aggregate classification.

GeneReviews
No classification provided. Condition: Mucopolysaccharidosis type 1. Review status: no classification provided. Collection method: literature only. Allele origin: germline. Not counted in ClinVar's aggregate classification.
Comment: Common pathogenic variant in Europe

Literature cited by the submitters: PubMed 7550242 (cited by 5 submitters); PubMed 15300847 (cited by 4 submitters); PubMed 19396826 (cited by 5 submitters); PubMed 23786846 (cited by 6 submitters); PubMed 24368159 (cited by 3 submitters); PubMed 28752568 (cited by Natera, Inc. and Broad Center for Mendelian Genomics, Broad Institute of MIT and Harvard); PubMed 30809705 (cited by Laboratory of Diagnosis and Therapy of Lysosomal Disorders, University of Padova); PubMed 12559846 (cited by Women's Health and Genetics/Laboratory Corporation of America, LabCorp and Counsyl); PubMed 21394825 (cited by Women's Health and Genetics/Laboratory Corporation of America, LabCorp and Counsyl); PubMed 27896125 (cited by Women's Health and Genetics/Laboratory Corporation of America, LabCorp); PubMed 12203999 (cited by UNC Molecular Genetics  Laboratory, University of North Carolina at Chapel Hill and Counsyl); PubMed 7951228 (cited by Counsyl); PubMed 9748610 (cited by Counsyl); PubMed 27511503 (cited by Counsyl); NCBI Bookshelf NBK1162 (cited by GeneReviews).

NM_000203.5(IDUA):c.979G>C (p.Ala327Pro)

Gene: IDUA (alpha-L-iduronidase; plus strand). Cytogenetic location: 4p16.3.
Variant type: single nucleotide variant.
Coding change: c.979G>C on transcript NM_000203.5 (MANE Select); coding-DNA position 979, G replaced by C.
Protein change: p.Ala327Pro; replaces alanine 327 with proline.
Molecular consequence: missense variant. On other transcripts: non-coding transcript variant (1).
Genome position (GRCh38, 1-based): chr4:1,002,275, G>C. VCF-style: chr4-1002275-G-C. GRCh37 (hg19) VCF-style: chr4-996063-G-C.
Other names: c.583G>C, p.Ala195Pro (NM_001363576.1); short protein forms A327P, A195P.
Identifiers: ClinVar variation 167190 (VCV000167190.55), dbSNP rs199801029, ClinGen allele CA234128.